The following is an entry in ClinVar:

NM_006258.4(PRKG1):c.1733C>T (p.Pro578Leu)

Gene: PRKG1 (protein kinase cGMP-dependent 1; plus strand). Cytogenetic location: 10q21.1.
Variant type: single nucleotide variant.
Coding change: c.1733C>T on transcript NM_006258.4 (MANE Select); coding-DNA position 1733, C replaced by T.
Protein change: p.Pro578Leu; replaces proline 578 with leucine.
Molecular consequence: missense variant.
Genome position (GRCh38, 1-based): chr10:52,288,749, C>T. VCF-style: chr10-52288749-C-T. GRCh37 (hg19) VCF-style: chr10-54048509-C-T.
Other names: c.1688C>T, p.Pro563Leu (NM_001098512.3); c.524C>T, p.Pro175Leu (NM_001374781.1); short protein forms P175L, P563L, P578L.
Identifiers: ClinVar variation 4805660 (VCV004805660.1).

ClinVar aggregate classification (germline): Uncertain significance (1 of 4 stars; one submission).

Conditions:
Aortic aneurysm, familial thoracic 8 (AAT8). Identifiers: MedGen C3809513, MONDO:0014187, OMIM 615436.

Submission:

Labcorp Genetics (formerly Invitae), Labcorp
Classification: Uncertain significance for Aortic aneurysm, familial thoracic 8. Last evaluated: 2025-11-28. Review status: criteria provided, single submitter. Criteria: Invitae Variant Classification Sherloc (09022015). Collection method: clinical testing. Allele origin: germline.
Comment: This sequence change replaces proline, which is neutral and non-polar, with leucine, which is neutral and non-polar, at codon 578 of the PRKG1 protein (p.Pro578Leu). This variant is not present in population databases (gnomAD no frequency). This variant has not been reported in the literature in individuals affected with PRKG1-related conditions. An algorithm developed to predict the effect of missense changes on protein structure and function (PolyPhen-2) suggests that this variant is likely to be disruptive. In summary, the available evidence is currently insufficient to determine the role of this variant in disease. Therefore, it has been classified as a Variant of Uncertain Significance.